The following is an entry in ClinVar:

NM_002485.5(NBN):c.1909_1910delinsTA (p.Ile637Ter)

Genes: NBN (nibrin; minus strand), LOC126860438 (MED14-independent group 3 enhancer GRCh37_chr8:90959982-90961181; plus strand). Cytogenetic location: 8q21.3.
Variant type: Indel.
Coding change: c.1909_1910delinsTA on transcript NM_002485.5 (MANE Select); coding-DNA positions 1909 to 1910, AT replaced by TA.
Protein change: p.Ile637Ter; replaces isoleucine 637 with a stop codon.
Molecular consequence: nonsense.
Genome position (GRCh38, 1-based): chr8:89,947,828-89,947,829, AT replaced by TA on the plus strand (AT replaced by TA on the coding strand, the reverse complement: NBN is on the minus strand). VCF-style: chr8-89947828-AT-TA. GRCh37 (hg19) VCF-style: chr8-90960056-AT-TA.
Other names: c.1663_1664delinsTA, p.Ile555Ter (NM_001024688.3); short protein forms I555*, I637*.
Identifiers: ClinVar variation 632528 (VCV000632528.15), dbSNP rs1563516254, ClinGen allele CA913189512.

ClinVar aggregate classification (germline): Pathogenic/Likely pathogenic. Review status: criteria provided, multiple submitters, no conflicts (2 of 4 stars). 3 submissions from 3 submitters: Pathogenic (2); Likely pathogenic (1). Last evaluated 2023-11-02.

Conditions:
Hereditary cancer-predisposing syndrome. Also called: Hereditary Cancer Syndrome; Neoplastic Syndromes, Hereditary; Tumor predisposition; Hereditary neoplastic syndrome. Identifiers: Orphanet 140162, MedGen C0027672, MeSH D009386, MONDO:0015356.
Microcephaly, normal intelligence and immunodeficiency (NBS). Also called: Immunodeficiency, microcephaly with normal intelligence; SEEMANOVA SYNDROME II; Nijmegen breakage syndrome; Microcephaly with normal intelligence immunodeficiency and lymphoreticular malignancies; Nonsyndromal microcephaly autosomal recessive with normal intelligence; Seemanova syndrome 2. Identifiers: Orphanet 647, MedGen C0398791, MONDO:0009623, OMIM 251260.

Submissions (3):

Labcorp Genetics (formerly Invitae), Labcorp
Classification: Pathogenic for Microcephaly, normal intelligence and immunodeficiency. Last evaluated: 2023-11-02. Review status: criteria provided, single submitter. Criteria: Invitae Variant Classification Sherloc (09022015). Collection method: clinical testing. Allele origin: germline.
Comment: This sequence change creates a premature translational stop signal (p.Ile637*) in the NBN gene. It is expected to result in an absent or disrupted protein product. Loss-of-function variants in NBN are known to be pathogenic (PMID: 9590180, 16415040). This variant is present in population databases (no rsID available, gnomAD 0.003%). This variant has not been reported in the literature in individuals affected with NBN-related conditions. ClinVar contains an entry for this variant (Variation ID: 632528). For these reasons, this variant has been classified as Pathogenic.

Genome-Nilou Lab
Classification: Likely pathogenic for Microcephaly, normal intelligence and immunodeficiency. Last evaluated: 2021-11-07. Review status: criteria provided, single submitter. Criteria: ACMG Guidelines, 2015. Collection method: clinical testing. Allele origin: germline. Affected: no.

Ambry Genetics
Classification: Pathogenic for Hereditary cancer-predisposing syndrome. Last evaluated: 2021-05-28. Review status: criteria provided, single submitter. Criteria: Ambry Variant Classification Scheme 2023. Collection method: clinical testing. Allele origin: germline.
Comment: The c.1909_1910delATinsTA pathogenic mutation (also known as p.I637*), located in coding exon 12 of the NBN gene, results from an in-frame deletion of AT and insertion of TA at nucleotide positions 1909 to 1910. This changes the amino acid from an isoleucine to an immediate stop codon at amino acid 637. This alteration is expected to result in loss of function by premature protein truncation or nonsense-mediated mRNA decay. As such, this alteration is interpreted as a disease-causing mutation.

Literature cited by the submitters: PubMed 9590180 (cited by Labcorp Genetics (formerly Invitae), Labcorp); PubMed 16415040 (cited by Labcorp Genetics (formerly Invitae), Labcorp).